The following is an entry in ClinVar:

ClinVar aggregate classification (germline): Benign. Review status: criteria provided, multiple submitters, no conflicts (2 of 4 stars). 2 submissions from 2 submitters: Benign (2). Last evaluated 2018-01-13.

Conditions:
Hypophosphatasia. Also called: Phosphoethanol-aminuria. Identifiers: Orphanet 436, MedGen C0020630, MeSH D007014, MONDO:0018570.

Allele frequency attached by ClinVar (database versions not stated): gnomAD exomes 0.09830; gnomAD 0.11501 and 0.11550; 1000 Genomes Project 30x 0.11540; 1000 Genomes Project 0.11721; TOPMed 0.11908.

Submissions (2):

Illumina Laboratory Services, Illumina
Classification: Benign for Hypophosphatasia. Last evaluated: 2018-01-13. Review status: criteria provided, single submitter. Criteria: ICSL Variant Classification Criteria 13 December 2019. Collection method: clinical testing. Allele origin: germline.
Comment: This variant was observed in the ICSL laboratory as part of a predisposition screen in an ostensibly healthy population. It had not been previously curated by ICSL or reported in the Human Gene Mutation Database (HGMD: prior to June 1st, 2018), and was therefore a candidate for classification through an automated scoring system. Utilizing variant allele frequency, disease prevalence and penetrance estimates, and inheritance mode, an automated score was calculated to assess if this variant is too frequent to cause the disease. Based on the score and internal cut-off values, a variant classified as benign is not then subjected to further curation. The score for this variant resulted in a classification of benign for this disease.

Breakthrough Genomics
Classification: Benign. Review status: criteria provided, single submitter. Criteria: ACMG Guidelines, 2015. Collection method: not provided. Allele origin: germline. Inheritance: Autosomal recessive inheritance. Affected: yes.

NM_000478.6(ALPL):c.*388C>T

Gene: ALPL (alkaline phosphatase, biomineralization associated; plus strand). Cytogenetic location: 1p36.12.
Variant type: single nucleotide variant.
Coding change: c.*388C>T on transcript NM_000478.6 (MANE Select); 388 bases downstream of the stop codon, C replaced by T.
Molecular consequence: 3 prime UTR variant.
Genome position (GRCh38, 1-based): chr1:21,578,036, C>T. VCF-style: chr1-21578036-C-T. GRCh37 (hg19) VCF-style: chr1-21904529-C-T.
Other names: c.*388C>T (NM_001127501.4, NM_001177520.3, NM_001369803.2 and 2 more transcripts).
Identifiers: ClinVar variation 295566 (VCV000295566.6), dbSNP rs2242420, ClinGen allele CA10609828.